The following is an entry in ClinVar:

ClinVar aggregate classification (germline): Uncertain significance. Review status: criteria provided, multiple submitters, no conflicts (2 of 4 stars). 2 submissions from 2 submitters: Uncertain significance (2). Last evaluated 2024-04-12.

Conditions:
Inborn genetic diseases. Identifiers: MedGen C0950123, MeSH D030342.

Allele frequency attached by ClinVar (database versions not stated): gnomAD exomes 0.00001 and 0.00003; gnomAD 0.00002 and 0.00003; TOPMed 0.00002; ExAC 0.00003; 1000 Genomes Project 30x 0.00016; 1000 Genomes Project 0.00020.

Submissions (2):

Ambry Genetics
Classification: Uncertain significance for Inborn genetic diseases. Last evaluated: 2024-04-12. Review status: criteria provided, single submitter. Criteria: Ambry Variant Classification Scheme 2023. Collection method: clinical testing. Allele origin: germline.

Labcorp Genetics (formerly Invitae), Labcorp
Classification: Uncertain significance. Last evaluated: 2021-10-09. Review status: criteria provided, single submitter. Criteria: Invitae Variant Classification Sherloc (09022015). Collection method: clinical testing. Allele origin: germline.
Comment: In summary, the available evidence is currently insufficient to determine the role of this variant in disease. Therefore, it has been classified as a Variant of Uncertain Significance. Advanced modeling of protein sequence and biophysical properties (such as structural, functional, and spatial information, amino acid conservation, physicochemical variation, residue mobility, and thermodynamic stability) performed at Invitae indicates that this missense variant is not expected to disrupt SERPINH1 protein function. This variant has not been reported in the literature in individuals affected with SERPINH1-related conditions. This variant is present in population databases (rs527863136, ExAC 0.01%). This sequence change replaces arginine with tryptophan at codon 393 of the SERPINH1 protein (p.Arg393Trp). The arginine residue is moderately conserved and there is a moderate physicochemical difference between arginine and tryptophan.

NM_001235.5(SERPINH1):c.1177C>T (p.Arg393Trp)

Gene: SERPINH1 (serpin family H member 1; plus strand). Cytogenetic location: 11q13.5.
Variant type: single nucleotide variant.
Coding change: c.1177C>T on transcript NM_001235.5 (MANE Select); coding-DNA position 1177, C replaced by T.
Protein change: p.Arg393Trp; replaces arginine 393 with tryptophan.
Molecular consequence: missense variant.
Genome position (GRCh38, 1-based): chr11:75,572,003, C>T. VCF-style: chr11-75572003-C-T. GRCh37 (hg19) VCF-style: chr11-75283048-C-T.
Other names: c.1177C>T, p.Arg393Trp (NM_001207014.3); c.1177C>T (NM_001235.3); short protein forms R393W.
Identifiers: ClinVar variation 1502108 (VCV001502108.5), dbSNP rs527863136, ClinGen allele CA6191036.